The following is an entry in ClinVar:

NM_000455.5(STK11):c.27G>C (p.Leu9=)

Gene: STK11 (serine/threonine kinase 11; plus strand). Cytogenetic location: 19p13.3.
Variant type: single nucleotide variant.
Coding change: c.27G>C on transcript NM_000455.5 (MANE Select); coding-DNA position 27, G replaced by C.
Protein change: p.Leu9=; no amino-acid change (leucine 9 retained).
Molecular consequence: synonymous variant.
Genome position (GRCh38, 1-based): chr19:1,206,940, G>C. VCF-style: chr19-1206940-G-C. GRCh37 (hg19) VCF-style: chr19-1206939-G-C.
Identifiers: ClinVar variation 231897 (VCV000231897.18), dbSNP rs876659432, ClinGen allele CA10580994.
Genomic context (GRCh38, chr19:1,206,940, plus strand): 5'-GCTGGCGGCGGGACTCCAGGACCCTGGGTCCAGCATGGAGGTGGTGGACCCGCAGCAGCT[G>C]GGCATGTTCACGGAGGGCGAGCTGATGTCGGTGGGTATGGACACGTTCATCCACCGCATC-3'
Protein context (NP_000446.1, residues 1-19): MEVVDPQQ[Leu9=]GMFTEGELMS

ClinVar aggregate classification (germline): Benign/Likely benign. Review status: criteria provided, multiple submitters, no conflicts (2 of 4 stars). 5 submissions from 5 submitters: Benign (1); Likely benign (4). Last evaluated 2025-03-24.

Conditions:
Hereditary cancer-predisposing syndrome. Also called: Hereditary Cancer Syndrome; Neoplastic Syndromes, Hereditary; Tumor predisposition; Hereditary neoplastic syndrome. Identifiers: Orphanet 140162, MedGen C0027672, MeSH D009386, MONDO:0015356.
Peutz-Jeghers syndrome (PJS). Also called: POLYPOSIS, HAMARTOMATOUS INTESTINAL; POLYPS-AND-SPOTS SYNDROME; Peutz-Jeghers polyposis; Periorificial lentiginosis syndrome. Identifiers: Orphanet 2869, MedGen C0031269, MeSH D010580, MONDO:0008280, OMIM 175200.

Allele frequency attached by ClinVar (database versions not stated): gnomAD exomes below 0.00001; gnomAD 0.00001 and 0.00002; TOPMed 0.00002.
gnomAD v4.1: 4 of 1,599,882 alleles (0.00025%); highest among the groups gnomAD compares: African/African-American, 0.0054%; no homozygotes.

Submissions (5):

Myriad Genetics, Inc.
Classification: Benign for Peutz-Jeghers syndrome. Last evaluated: 2025-03-24. Review status: criteria provided, single submitter. Criteria: Myriad Autosomal Dominant, Autosomal Recessive and X-Linked Classification Criteria (2023). Collection method: clinical testing. Allele origin: unknown.
Comment: This variant is considered benign. This variant is a silent/synonymous amino acid change and it is not expected to impact splicing.

Labcorp Genetics (formerly Invitae), Labcorp
Classification: Likely benign for Peutz-Jeghers syndrome. Last evaluated: 2024-08-01. Review status: criteria provided, single submitter. Criteria: Invitae Variant Classification Sherloc (09022015). Collection method: clinical testing. Allele origin: germline.

Color Diagnostics, LLC DBA Color Health
Classification: Likely benign for Hereditary cancer-predisposing syndrome. Last evaluated: 2022-11-06. Review status: criteria provided, single submitter. Criteria: ACMG Guidelines, 2015. Collection method: clinical testing. Allele origin: germline.

Ambry Genetics
Classification: Likely benign for Hereditary cancer-predisposing syndrome. Last evaluated: 2015-05-20. Review status: criteria provided, single submitter. Criteria: Ambry Variant Classification Scheme 2023. Collection method: clinical testing. Allele origin: germline.

Breakthrough Genomics
Classification: Likely benign. Review status: criteria provided, single submitter. Criteria: ACMG Guidelines, 2015. Collection method: not provided. Allele origin: germline. Inheritance: Autosomal dominant inheritance. Affected: yes.